The following is an entry in ClinVar:

NM_022051.3(EGLN1):c.319G>T (p.Ala107Ser)

Gene: EGLN1 (egl-9 family hypoxia inducible factor 1; minus strand). Cytogenetic location: 1q42.2.
Variant type: single nucleotide variant.
Coding change: c.319G>T on transcript NM_022051.3 (MANE Select); coding-DNA position 319, G replaced by T.
Protein change: p.Ala107Ser; replaces alanine 107 with serine.
Molecular consequence: missense variant.
Genome position (GRCh38, 1-based): chr1:231,421,570, C>A on the plus strand (G>T on the coding strand, the complement: EGLN1 is on the minus strand). VCF-style: chr1-231421570-C-A. GRCh37 (hg19) VCF-style: chr1-231557316-C-A.
Other names: c.319G>T, p.Ala107Ser (NM_001377260.1, NM_001377261.1); short protein forms A107S.
Identifiers: ClinVar variation 241416 (VCV000241416.11), dbSNP rs531081279, ClinGen allele CA10581768.

ClinVar aggregate classification (germline): Conflicting classifications of pathogenicity. Review status: criteria provided, conflicting classifications (1 of 4 stars). 3 submissions from 3 submitters: Uncertain significance (2); Likely benign (1). Last evaluated 2025-09-20.

Conditions:
Hemoglobin, high altitude adaptation (HALAH). Identifiers: MedGen C1836778, OMIM 609070.
Erythrocytosis, familial, 3 (ECYT3). Identifiers: Orphanet 247511, MedGen C1853286, MONDO:0012353, OMIM 609820.

Allele frequency attached by ClinVar (database versions not stated): gnomAD 0.00002 and 0.00004; TOPMed 0.00004; 1000 Genomes Project 0.00020; 1000 Genomes Project 30x 0.00047.
gnomAD v4.1: 51 of 1,308,656 alleles (0.0039%); highest among the groups gnomAD compares: East Asian, 0.16%; no homozygotes.

Submissions (3):

Labcorp Genetics (formerly Invitae), Labcorp
Classification: Uncertain significance for Erythrocytosis, familial, 3. Last evaluated: 2025-09-20. Review status: criteria provided, single submitter. Criteria: Invitae Variant Classification Sherloc (09022015). Collection method: clinical testing. Allele origin: germline.
Comment: This sequence change replaces alanine, which is neutral and non-polar, with serine, which is neutral and polar, at codon 107 of the EGLN1 protein (p.Ala107Ser). This variant is present in population databases (rs531081279, gnomAD 0.06%). This variant has not been reported in the literature in individuals affected with EGLN1-related conditions. ClinVar contains an entry for this variant (Variation ID: 241416). An algorithm developed to predict the effect of missense changes on protein structure and function (PolyPhen-2) suggests that this variant is likely to be disruptive. In summary, the available evidence is currently insufficient to determine the role of this variant in disease. Therefore, it has been classified as a Variant of Uncertain Significance.

Ambry Genetics
Classification: Likely benign. Last evaluated: 2024-12-17. Review status: criteria provided, single submitter. Criteria: Ambry Variant Classification Scheme 2023. Collection method: clinical testing. Allele origin: germline.

Fulgent Genetics
Classification: Uncertain significance for Hemoglobin, high altitude adaptation; Erythrocytosis, familial, 3. Last evaluated: 2024-02-28. Review status: criteria provided, single submitter. Criteria: ACMG Guidelines, 2015. Collection method: clinical testing. Allele origin: germline.